The following is an entry in ClinVar:

ClinVar aggregate classification (germline): Benign. Review status: criteria provided, multiple submitters, no conflicts (2 of 4 stars). 2 submissions from 2 submitters: Benign (2). Last evaluated 2018-06-19.

Allele frequency attached by ClinVar (database versions not stated): gnomAD exomes 0.37929; ESP Exome Variant Server 0.38375; TOPMed 0.39323; gnomAD 0.39700 and 0.39968; ExAC 0.40001; 1000 Genomes Project 30x 0.47580; 1000 Genomes Project 0.47943.
gnomAD v4.1: 540,123 of 1,594,942 alleles (34%); highest among the groups gnomAD compares: East Asian, 60%; 96,852 homozygotes.

Submissions (2):

GeneDx
Classification: Benign. Last evaluated: 2018-06-19. Review status: criteria provided, single submitter. Criteria: GeneDx Variant Classification (06012015). Collection method: clinical testing. Allele origin: germline. Affected: yes.
Comment: This variant is considered likely benign or benign based on one or more of the following criteria: it is a conservative change, it occurs at a poorly conserved position in the protein, it is predicted to be benign by multiple in silico algorithms, and/or has population frequency not consistent with disease.

Breakthrough Genomics
Classification: Benign. Review status: criteria provided, single submitter. Criteria: ACMG Guidelines, 2015. Collection method: not provided. Allele origin: germline. Inheritance: Unknown mechanism. Affected: yes.

NM_015141.4(GPD1L):c.619-46T>C

Gene: GPD1L (glycerol-3-phosphate dehydrogenase 1 like; plus strand). Cytogenetic location: 3p22.3.
Variant type: single nucleotide variant.
Coding change: c.619-46T>C on transcript NM_015141.4 (MANE Select); 46 bases into the intron before coding-DNA position 619, T replaced by C.
Molecular consequence: intron variant.
Genome position (GRCh38, 1-based): chr3:32,158,830, T>C. VCF-style: chr3-32158830-T-C. GRCh37 (hg19) VCF-style: chr3-32200322-T-C.
Identifiers: ClinVar variation 671836 (VCV000671836.2), dbSNP rs2305361, ClinGen allele CA2296702.